The following is an entry in ClinVar:

ClinVar aggregate classification (germline): Uncertain significance (1 of 4 stars; one submission).

Submission:

GeneDx
Classification: Uncertain significance. Last evaluated: 2025-07-15. Review status: criteria provided, single submitter. Criteria: GeneDx Variant Classification Process June 2021. Collection method: clinical testing. Allele origin: germline.
Comment: Has not been previously published as pathogenic or benign to our knowledge; Frameshift variant predicted to result in protein truncation or nonsense mediated decay in a gene for which loss of function is a known mechanism of disease

NM_144666.3(DNHD1):c.12393del (p.Trp4132fs)

Gene: DNHD1 (dynein heavy chain domain 1; plus strand). Cytogenetic location: 11p15.4.
Variant type: Deletion.
Coding change: c.12393del on transcript NM_144666.3 (MANE Select); coding-DNA position 12393, one base deleted (C; older notation c.12393delC).
Protein change: p.Trp4132fs; shifts the reading frame from tryptophan 4132.
Molecular consequence: frameshift variant.
Genome position (GRCh38, 1-based): chr11:6,568,097, C deleted; the last of 2 consecutive C bases (chr11:6,568,096-6,568,097); deleting either gives the same sequence. VCF-style (leftmost placement, unchanged base first): chr11-6568095-GC-G. GRCh37 (hg19) VCF-style: chr11-6589325-GC-G.
Other names: short protein forms W4132fs.
Identifiers: ClinVar variation 3343480 (VCV003343480.2).
Genomic context (GRCh38, chr11:6,568,095, plus strand): 5'-CATCTCTTTTTTGGTCCCCAGGGGCAGAAGCAACTGCAGGTGATAGCCCTGGGCTCTGAA[GC>G]CTGGGACCCAGTCTCAGTTGTGGTCAGCACTCTATCCCAGGCTATGTATGAGGGGCACTG-3'